The following is an entry in ClinVar:

NM_015158.5(KANK1):c.977C>T (p.Ala326Val)

Gene: KANK1 (KN motif and ankyrin repeat domains 1; plus strand). Cytogenetic location: 9p24.3.
Variant type: single nucleotide variant.
Coding change: c.977C>T on transcript NM_015158.5 (MANE Select); coding-DNA position 977, C replaced by T.
Protein change: p.Ala326Val; replaces alanine 326 with valine.
Molecular consequence: missense variant. On other transcripts: non-coding transcript variant (1).
Genome position (GRCh38, 1-based): chr9:711,743, C>T. VCF-style: chr9-711743-C-T. GRCh37 (hg19) VCF-style: chr9-711743-C-T.
Other names: c.977C>T, p.Ala326Val (NM_001256876.3, NM_001256877.3, NM_001354331.2 and 2 more transcripts); c.503C>T, p.Ala168Val (NM_001354333.2, NM_001354335.2, NM_001354336.2 and 9 more transcripts); short protein forms A326V, A168V.
Identifiers: ClinVar variation 2047658 (VCV002047658.4), dbSNP rs765344155, ClinGen allele CA4960087.

ClinVar aggregate classification (germline): Uncertain significance (1 of 4 stars; one submission).

Allele frequency attached by ClinVar (database versions not stated): ExAC 0.00003; gnomAD 0.00003.
gnomAD v4.1: 37 of 1,614,050 alleles (0.0023%); highest among the groups gnomAD compares: East Asian, 0.036%; no homozygotes.

Submission:

Labcorp Genetics (formerly Invitae), Labcorp
Classification: Uncertain significance. Last evaluated: 2023-12-01. Review status: criteria provided, single submitter. Criteria: Invitae Variant Classification Sherloc (09022015). Collection method: clinical testing. Allele origin: germline.
Comment: This sequence change replaces alanine, which is neutral and non-polar, with valine, which is neutral and non-polar, at codon 326 of the KANK1 protein (p.Ala326Val). This variant is present in population databases (rs765344155, gnomAD 0.01%). This variant has not been reported in the literature in individuals affected with KANK1-related conditions. ClinVar contains an entry for this variant (Variation ID: 2047658). Advanced modeling of protein sequence and biophysical properties (such as structural, functional, and spatial information, amino acid conservation, physicochemical variation, residue mobility, and thermodynamic stability) performed at Invitae indicates that this missense variant is not expected to disrupt KANK1 protein function with a negative predictive value of 80%. In summary, the available evidence is currently insufficient to determine the role of this variant in disease. Therefore, it has been classified as a Variant of Uncertain Significance.